The following is an entry in ClinVar:

NM_017886.4(ULK4):c.2388T>C (p.Asn796=)

Gene: ULK4 (unc-51 like kinase 4; minus strand). Cytogenetic location: 3p22.1.
Variant type: single nucleotide variant.
Coding change: c.2388T>C on transcript NM_017886.4 (MANE Select); coding-DNA position 2388, T replaced by C.
Protein change: p.Asn796=; no amino-acid change (asparagine 796 retained).
Molecular consequence: synonymous variant. On other transcripts: non-coding transcript variant (1).
Genome position (GRCh38, 1-based): chr3:41,717,795, A>G on the plus strand (T>C on the coding strand, the complement: ULK4 is on the minus strand). VCF-style: chr3-41717795-A-G. GRCh37 (hg19) VCF-style: chr3-41759287-A-G.
Other names: c.2388T>C, p.Asn796= (NM_001322500.2); c.1482T>C, p.Asn494= (NM_001322501.2).
Identifiers: ClinVar variation 3043434 (VCV003043434.2), dbSNP rs771337091, ClinGen allele CA2331902.

ClinVar aggregate classification (germline): Likely benign (0 of 4 stars; one submission).

Conditions:
ULK4-related disorder. Also called: ULK4-related condition.

Allele frequency attached by ClinVar (database versions not stated): ExAC 0.00001; gnomAD 0.00001; gnomAD exomes 0.00002; TOPMed 0.00002.

Submission:

PreventionGenetics, part of Exact Sciences
Classification: Likely benign for ULK4-related condition. Last evaluated: 2019-06-27. Review status: no assertion criteria provided. Collection method: clinical testing. Allele origin: germline.
Comment: This variant is classified as likely benign based on ACMG/AMP sequence variant interpretation guidelines (Richards et al. 2015 PMID: 25741868, with internal and published modifications).